The following is an entry in ClinVar:

ClinVar aggregate classification (germline): Uncertain significance. Review status: criteria provided, multiple submitters, no conflicts (2 of 4 stars). 4 submissions from 4 submitters: Uncertain significance (4). Last evaluated 2023-07-28.

Conditions:
Diffuse midline glioma, H3 K27-altered. Identifiers: MedGen C5669877, MONDO:1060171.
Microcephaly, normal intelligence and immunodeficiency (NBS). Also called: Microcephaly with normal intelligence immunodeficiency and lymphoreticular malignancies; Nonsyndromal microcephaly autosomal recessive with normal intelligence; Seemanova syndrome 2; Ataxia telangiectasia variant V1; BERLIN BREAKAGE SYNDROME; Immunodeficiency, microcephaly with normal intelligence. Identifiers: Orphanet 647, MedGen C0398791, MONDO:0009623, OMIM 251260.
Hereditary cancer-predisposing syndrome. Also called: Neoplastic Syndromes, Hereditary; Hereditary Cancer Syndrome; Tumor predisposition; Hereditary neoplastic syndrome. Identifiers: Orphanet 140162, MedGen C0027672, MeSH D009386, MONDO:0015356.

Submissions (4):

Ambry Genetics
Classification: Uncertain significance for Hereditary cancer-predisposing syndrome. Last evaluated: 2023-07-28. Review status: criteria provided, single submitter. Criteria: Ambry Variant Classification Scheme 2023. Collection method: clinical testing. Allele origin: germline.
Comment: The c.38_40delGAG variant (also known as p.G13del) is located in coding exon 2 of the NBN gene. This variant results from an in-frame GAG deletion at nucleotide positions 38 to 40. This results in the in-frame deletion of a glycine at codon 13. This amino acid position is well conserved in available vertebrate species. In addition, this alteration is predicted to be neutral by in silico analysis (Choi Y et al. PLoS ONE. 2012; 7(10):e46688). Since supporting evidence is limited at this time, the clinical significance of this alteration remains unclear.

Laboratory of Medical Genetics Unit, Bambino Gesù Children's Hospital
Classification: Uncertain significance for Diffuse midline glioma, H3 K27-altered. Last evaluated: 2023-01-04. Review status: criteria provided, single submitter. Criteria: ACMG Guidelines, 2015. Collection method: research. Allele origin: germline. Affected: yes. Observed: 1 heterozygote.

Labcorp Genetics (formerly Invitae), Labcorp
Classification: Uncertain significance for Microcephaly, normal intelligence and immunodeficiency. Last evaluated: 2022-08-16. Review status: criteria provided, single submitter. Criteria: Invitae Variant Classification Sherloc (09022015). Collection method: clinical testing. Allele origin: germline.
Comment: This variant, c.38_40del, results in the deletion of 1 amino acid(s) of the NBN protein (p.Gly13del), but otherwise preserves the integrity of the reading frame. This variant is present in population databases (no rsID available, gnomAD 0.01%). This variant has not been reported in the literature in individuals affected with NBN-related conditions. ClinVar contains an entry for this variant (Variation ID: 801235). Experimental studies and prediction algorithms are not available or were not evaluated, and the functional significance of this variant is currently unknown. Algorithms developed to predict the effect of sequence changes on RNA splicing suggest that this variant may disrupt the consensus splice site. In summary, the available evidence is currently insufficient to determine the role of this variant in disease. Therefore, it has been classified as a Variant of Uncertain Significance.

Quest Diagnostics Nichols Institute San Juan Capistrano
Classification: Uncertain significance. Last evaluated: 2018-12-18. Review status: criteria provided, single submitter. Criteria: Quest Diagnostics criteria. Collection method: clinical testing. Allele origin: germline.

Literature cited by the submitters: PubMed 34439939 (cited by Ambry Genetics).

NM_002485.5(NBN):c.38_40del

Gene: NBN (nibrin; minus strand). Cytogenetic location: 8q21.3.
Variant type: Deletion.
Coding change: c.38_40del on transcript NM_002485.5 (MANE Select); coding-DNA positions 38 to 40, 3 bases deleted (GAG; older notation c.38_40delGAG).
Molecular consequence: splice acceptor variant.
Genome position (GRCh38, 1-based): chr8:89,982,853-89,982,855, CTC deleted on the plus strand (GAG on the coding strand, the reverse complement: NBN is on the minus strand); deleting any 3 consecutive bases within chr8:89,982,853-89,982,857 gives the same sequence; the c. name uses the placement nearest the transcript's 3' end. VCF-style (leftmost placement, unchanged base first): chr8-89982852-TCTC-T. GRCh37 (hg19) VCF-style: chr8-90995080-TCTC-T.
Other names: c.38_40delGAG (NM_002485.4).
Identifiers: ClinVar variation 801235 (VCV000801235.16), dbSNP rs1350231265, ClinGen allele CA583376821.